The following is an entry in ClinVar:

ClinVar aggregate classification (germline): Uncertain significance (1 of 4 stars; one submission).

Conditions:
Hereditary cancer-predisposing syndrome. Also called: Neoplastic Syndromes, Hereditary; Tumor predisposition; Hereditary Cancer Syndrome; Hereditary neoplastic syndrome. Identifiers: Orphanet 140162, MedGen C0027672, MeSH D009386, MONDO:0015356.

Submission:

Ambry Genetics
Classification: Uncertain significance for Hereditary cancer-predisposing syndrome. Last evaluated: 2017-09-22. Review status: criteria provided, single submitter. Criteria: Ambry Variant Classification Scheme 2023. Collection method: clinical testing. Allele origin: germline.
Comment: The p.M115T variant (also known as c.344T>C), located in coding exon 3 of the APC gene, results from a T to C substitution at nucleotide position 344. The methionine at codon 115 is replaced by threonine, an amino acid with similar properties. This amino acid position is well conserved in available vertebrate species. However, this alteration is predicted to be benign and tolerated by PolyPhen and SIFT in silico analyses, respectively. Since supporting evidence is limited at this time, the clinical significance of this alteration remains unclear.

NM_000038.6(APC):c.344T>C (p.Met115Thr)

Gene: APC (APC regulator of Wnt signaling pathway; plus strand). Cytogenetic location: 5q22.2.
Variant type: single nucleotide variant.
Coding change: c.344T>C on transcript NM_000038.6 (MANE Select); coding-DNA position 344, T replaced by C.
Protein change: p.Met115Thr; replaces methionine 115 with threonine.
Molecular consequence: missense variant. On other transcripts: 5 prime UTR variant (1).
Genome position (GRCh38, 1-based): chr5:112,767,312, T>C. VCF-style: chr5-112767312-T-C. GRCh37 (hg19) VCF-style: chr5-112103009-T-C.
Other names: c.344T>C, p.Met115Thr (NM_001127510.3, NM_001354895.2, NM_001354896.2 and 16 more transcripts); c.374T>C, p.Met125Thr (NM_001127511.3, NM_001354897.2, NM_001354902.2 and 1 more transcripts); c.269T>C, p.Met90Thr (NM_001354898.2, NM_001354904.2, NM_001407451.1); c.167T>C, p.Met56Thr (NM_001354900.2, NM_001354901.2, NM_001354905.2 and 1 more transcripts); c.-692T>C (NM_001354906.2, NM_001407470.1, NM_001407471.1 and 1 more transcripts); short protein forms M115T, M125T, M56T, M90T.
Identifiers: ClinVar variation 1731555 (VCV001731555.2), dbSNP rs1756462909, ClinGen allele CA16022072.